The following is an entry in ClinVar:

NM_002857.4(PEX19):c.817-4C>T

Gene: PEX19 (peroxisomal biogenesis factor 19; minus strand). Cytogenetic location: 1q23.2.
Variant type: single nucleotide variant.
Coding change: c.817-4C>T on transcript NM_002857.4 (MANE Select); 4 bases into the intron before coding-DNA position 817, C replaced by T.
Molecular consequence: intron variant.
Genome position (GRCh38, 1-based): chr1:160,279,638, G>A on the plus strand (C>T on the coding strand, the complement: PEX19 is on the minus strand). VCF-style: chr1-160279638-G-A. GRCh37 (hg19) VCF-style: chr1-160249428-G-A.
Other names: c.817-56C>T (NM_001193644.1).
Identifiers: ClinVar variation 3054851 (VCV003054851.2), dbSNP rs1657690071, ClinGen allele CA1008338234.

ClinVar aggregate classification (germline): Likely benign (0 of 4 stars; one submission).

Conditions:
PEX19-related disorder. Also called: PEX19-related condition.

Allele frequency attached by ClinVar (database versions not stated): gnomAD exomes below 0.00001; TOPMed below 0.00001.
gnomAD v4.1: 2 of 1,613,306 alleles (0.00012%); highest among the groups gnomAD compares: Non-Finnish European, 0.00017%; no homozygotes.

Submission:

PreventionGenetics, part of Exact Sciences
Classification: Likely benign for PEX19-related condition. Last evaluated: 2022-08-31. Review status: no assertion criteria provided. Collection method: clinical testing. Allele origin: germline.
Comment: This variant is classified as likely benign based on ACMG/AMP sequence variant interpretation guidelines (Richards et al. 2015 PMID: 25741868, with internal and published modifications).